The following is an entry in ClinVar:

NM_003119.4(SPG7):c.2212dup (p.Ile738fs)

Gene: SPG7 (SPG7 matrix AAA peptidase subunit, paraplegin; plus strand). Cytogenetic location: 16q24.3.
Variant type: Duplication.
Coding change: c.2212dup on transcript NM_003119.4 (MANE Select); coding-DNA position 2212, one base duplicated (A; older notation c.2212dupA).
Protein change: p.Ile738fs; shifts the reading frame from isoleucine 738.
Molecular consequence: frameshift variant.
Genome position (GRCh38, 1-based): chr16:89,556,917, A duplicated. VCF-style (leftmost placement, unchanged base first): chr16-89556916-G-GA. GRCh37 (hg19) VCF-style: chr16-89623324-G-GA.
Other names: c.2420dup, p.Asp807fs (NM_001363850.1); short protein forms D807fs, I738fs.
Identifiers: ClinVar variation 3242520 (VCV003242520.1).

ClinVar aggregate classification (germline): Pathogenic (1 of 4 stars; one submission).

Conditions:
Hereditary spastic paraplegia 7 (SPG7). Also called: Autosomal recessive spastic paraplegia type 7; SPASTIC PARAPLEGIA 7, AUTOSOMAL RECESSIVE, WITH OR WITHOUT CEREBELLAR ATAXIA; Spastic paraplegia 7; Hereditary spastic paraplegia Paraplegin type; SPG7-related neurologic disorder. Identifiers: Orphanet 99013, MedGen C1846564, MONDO:0011803, OMIM 607259.

Submission:

PROSPAX: an integrated multimodal progression  chart in spastic ataxias, Center for Neurology; Hertie-Institute for Clinical Brain Research
Classification: Pathogenic for Hereditary spastic paraplegia 7. Last evaluated: 2022-01-01. Review status: criteria provided, single submitter. Criteria: ACMG Guidelines, 2015. Collection method: research. Allele origin: germline. Affected: yes.
Comment: Variant seen in compound het: [c.1045G>A;c.2212dupA]